The following is an entry in ClinVar:

ClinVar aggregate classification (germline): Uncertain significance (1 of 4 stars; one submission).

Conditions:
Hereditary cancer-predisposing syndrome. Also called: Neoplastic Syndromes, Hereditary; Hereditary Cancer Syndrome; Tumor predisposition; Hereditary neoplastic syndrome. Identifiers: Orphanet 140162, MedGen C0027672, MeSH D009386, MONDO:0015356.

Submission:

Labcorp Genetics (formerly Invitae), Labcorp
Classification: Uncertain significance for Hereditary cancer-predisposing syndrome. Last evaluated: 2023-03-21. Review status: criteria provided, single submitter. Criteria: Invitae Variant Classification Sherloc (09022015). Collection method: clinical testing. Allele origin: germline.
Comment: This sequence change replaces threonine, which is neutral and polar, with proline, which is neutral and non-polar, at codon 935 of the RAD50 protein (p.Thr935Pro). This variant is not present in population databases (gnomAD no frequency). This variant has not been reported in the literature in individuals affected with RAD50-related conditions. Advanced modeling of protein sequence and biophysical properties (such as structural, functional, and spatial information, amino acid conservation, physicochemical variation, residue mobility, and thermodynamic stability) performed at Invitae indicates that this missense variant is expected to disrupt RAD50 protein function. In summary, the available evidence is currently insufficient to determine the role of this variant in disease. Therefore, it has been classified as a Variant of Uncertain Significance.

NM_005732.4(RAD50):c.2803A>C (p.Thr935Pro)

Gene: RAD50 (RAD50 double strand break repair protein; plus strand). Cytogenetic location: 5q31.1.
Variant type: single nucleotide variant.
Coding change: c.2803A>C on transcript NM_005732.4 (MANE Select); coding-DNA position 2803, A replaced by C.
Protein change: p.Thr935Pro; replaces threonine 935 with proline.
Molecular consequence: missense variant.
Genome position (GRCh38, 1-based): chr5:132,608,699, A>C. VCF-style: chr5-132608699-A-C. GRCh37 (hg19) VCF-style: chr5-131944391-A-C.
Other names: short protein forms T935P.
Identifiers: ClinVar variation 2848001 (VCV002848001.3), dbSNP rs2479370069, ClinGen allele CA360959095.